The following is an entry in ClinVar:

ClinVar aggregate classification (germline): Uncertain significance (1 of 4 stars; one submission).

Submission:

Labcorp Genetics (formerly Invitae), Labcorp
Classification: Uncertain significance. Last evaluated: 2024-10-23. Review status: criteria provided, single submitter. Criteria: Invitae Variant Classification Sherloc (09022015). Collection method: clinical testing. Allele origin: germline.
Comment: This sequence change replaces glycine, which is neutral and non-polar, with arginine, which is basic and polar, at codon 1298 of the ARID1A protein (p.Gly1298Arg). This variant is not present in population databases (gnomAD no frequency). This variant has not been reported in the literature in individuals affected with ARID1A-related conditions. Invitae Evidence Modeling of protein sequence and biophysical properties (such as structural, functional, and spatial information, amino acid conservation, physicochemical variation, residue mobility, and thermodynamic stability) indicates that this missense variant is not expected to disrupt ARID1A protein function with a negative predictive value of 80%. In summary, the available evidence is currently insufficient to determine the role of this variant in disease. Therefore, it has been classified as a Variant of Uncertain Significance.

NM_006015.6(ARID1A):c.3892G>A (p.Gly1298Arg)

Gene: ARID1A (AT-rich interaction domain 1A; plus strand). Cytogenetic location: 1p36.11.
Variant type: single nucleotide variant.
Coding change: c.3892G>A on transcript NM_006015.6 (MANE Select); coding-DNA position 3892, G replaced by A.
Protein change: p.Gly1298Arg; replaces glycine 1298 with arginine.
Molecular consequence: missense variant.
Genome position (GRCh38, 1-based): chr1:26,773,605, G>A. VCF-style: chr1-26773605-G-A. GRCh37 (hg19) VCF-style: chr1-27100096-G-A.
Other names: c.3892G>A, p.Gly1298Arg (NM_139135.4); short protein forms G1298R.
Identifiers: ClinVar variation 3666192 (VCV003666192.2).